The following is an entry in ClinVar:

NM_005188.4(CBL):c.1738C>T (p.Pro580Ser)

Gene: CBL (Cbl proto-oncogene; plus strand). Cytogenetic location: 11q23.3.
Variant type: single nucleotide variant.
Coding change: c.1738C>T on transcript NM_005188.4 (MANE Select); coding-DNA position 1738, C replaced by T.
Protein change: p.Pro580Ser; replaces proline 580 with serine.
Molecular consequence: missense variant.
Genome position (GRCh38, 1-based): chr11:119,285,363, C>T. VCF-style: chr11-119285363-C-T. GRCh37 (hg19) VCF-style: chr11-119156073-C-T.
Other names: short protein forms P580S.
Identifiers: ClinVar variation 3995983 (VCV003995983.1).

ClinVar aggregate classification (germline): Uncertain significance (1 of 4 stars; one submission).

Conditions:
Cardiovascular phenotype. Identifiers: MedGen CN230736.

Submission:

Ambry Genetics
Classification: Uncertain significance for Cardiovascular phenotype. Last evaluated: 2025-03-25. Review status: criteria provided, single submitter. Criteria: Ambry Variant Classification Scheme 2023. Collection method: clinical testing. Allele origin: germline.
Comment: The p.P580S variant (also known as c.1738C>T), located in coding exon 11 of the CBL gene, results from a C to T substitution at nucleotide position 1738. The proline at codon 580 is replaced by serine, an amino acid with similar properties. This amino acid position is conserved. In addition, the in silico prediction for this alteration is inconclusive. Based on the available evidence, the clinical significance of this variant remains unclear.